The following is an entry in ClinVar:

ClinVar aggregate classification (germline): Uncertain significance (1 of 4 stars; one submission).

Submission:

Ambry Genetics
Classification: Uncertain significance. Last evaluated: 2024-04-26. Review status: criteria provided, single submitter. Criteria: Ambry Variant Classification Scheme 2023. Collection method: clinical testing. Allele origin: germline.
Comment: The c.2030_2034dupTGCTT variant, located in coding exon 13 of the RINT1 gene, results from a duplication of TGCTT at nucleotide position 2030, causing a translational frameshift with a predicted alternate stop codon (p.V679Cfs*3). This alteration is expected to result in loss of function by premature protein truncation or nonsense-mediated mRNA decay. The evidence for this gene-disease relationship is limited; therefore, the clinical significance of this alteration is unclear.

NM_021930.6(RINT1):c.2030_2034dup (p.Val679fs)

Genes: EFCAB10 (EF-hand calcium binding domain 10; minus strand), RINT1 (RAD50 interactor 1; plus strand). Cytogenetic location: 7q22.3.
Variant type: Duplication.
Coding change: c.2030_2034dup on transcript NM_021930.6 (MANE Select); coding-DNA positions 2030 to 2034, 5 bases duplicated (TGCTT; older notation c.2030_2034dupTGCTT).
Protein change: p.Val679fs; shifts the reading frame from valine 679.
Molecular consequence: frameshift variant. On other transcripts: 3 prime UTR variant (2), non-coding transcript variant (1).
Genome position (GRCh38, 1-based): chr7:105,565,420-105,565,424, TGCTT duplicated. VCF-style (leftmost placement, unchanged base first): chr7-105565419-A-ATGCTT. GRCh37 (hg19) VCF-style: chr7-105205866-A-ATGCTT.
Other names: c.*23_*27dup (NM_001355526.2); c.*125_*129dup (NM_001355530.2); c.383_387dup, p.Phe130fs (NM_001355531.2); c.1796_1800dup, p.Val601fs (NM_001346599.2); c.1007_1011dup, p.Val338fs (NM_001346600.2, NM_001346603.2); c.1106_1110dup, p.Val371fs (NM_001346601.2); short protein forms V338fs, V601fs, V679fs, F130fs, V371fs.
Identifiers: ClinVar variation 3314449 (VCV003314449.1).